The following is an entry in ClinVar:

NM_002880.4(RAF1):c.873A>G (p.Ser291=)

Gene: RAF1 (Raf-1 proto-oncogene, serine/threonine kinase; minus strand). Cytogenetic location: 3p25.2.
Variant type: single nucleotide variant.
Coding change: c.873A>G on transcript NM_002880.4 (MANE Select); coding-DNA position 873, A replaced by G.
Protein change: p.Ser291=; no amino-acid change (serine 291 retained).
Molecular consequence: synonymous variant. On other transcripts: non-coding transcript variant (3).
Genome position (GRCh38, 1-based): chr3:12,600,269, T>C on the plus strand (A>G on the coding strand, the complement: RAF1 is on the minus strand). VCF-style: chr3-12600269-T-C. GRCh37 (hg19) VCF-style: chr3-12641768-T-C.
Other names: c.933A>G, p.Ser311= (NM_001354689.3); c.873A>G, p.Ser291= (NM_001354690.3); c.630A>G, p.Ser210= (NM_001354691.3, NM_001354692.3); c.774A>G, p.Ser258= (NM_001354693.3); c.690A>G, p.Ser230= (NM_001354694.3); c.531A>G, p.Ser177= (NM_001354695.3).
Identifiers: ClinVar variation 381163 (VCV000381163.11), dbSNP rs139135606, ClinGen allele CA2259639.

ClinVar aggregate classification (germline): Conflicting classifications of pathogenicity. Review status: criteria provided, conflicting classifications (1 of 4 stars). 5 submissions from 5 submitters: Uncertain significance (1); Likely benign (4). Last evaluated 2025-12-29.

Conditions:
Cardiovascular phenotype. Identifiers: MedGen CN230736.
RASopathy. Also called: rasopathies; Noonan spectrum disorder. Identifiers: Orphanet 536391, MedGen C5555857, MONDO:0021060.

Allele frequency attached by ClinVar (database versions not stated): gnomAD exomes below 0.00001; ExAC 0.00001; TOPMed 0.00001; gnomAD 0.00002; ESP Exome Variant Server 0.00008.
gnomAD v4.1: 7 of 1,614,032 alleles (0.00043%); highest among the groups gnomAD compares: Non-Finnish European, 0.00051%; no homozygotes.

Submissions (5):

Women's Health and Genetics/Laboratory Corporation of America, LabCorp
Classification: Likely benign. Last evaluated: 2025-12-29. Review status: criteria provided, single submitter. Criteria: LabCorp Variant Classification Summary - May 2015. Collection method: clinical testing. Allele origin: germline.

Ambry Genetics
Classification: Uncertain significance for Cardiovascular phenotype. Last evaluated: 2024-11-18. Review status: criteria provided, single submitter. Criteria: Ambry Variant Classification Scheme 2023. Collection method: clinical testing. Allele origin: germline.
Comment: The c.873A>G variant (also known as p.S291S), located in coding exon 8 of the RAF1 gene, results from an A to G substitution at nucleotide position 873. This nucleotide substitution does not change the serine at codon 291. This variant has been reported in individual(s) in a neuro-cardio-facio-cutaneous syndrome cohort, but clinical details were limited (Justino A et al. Eur J Hum Genet, 2015 Mar;23:347-53). This nucleotide position is not well conserved in available vertebrate species. In silico splice site analysis predicts that this alteration may result in the creation or strengthening of a novel splice acceptor site. Based on the available evidence, the clinical significance of this variant remains unclear.

Labcorp Genetics (formerly Invitae), Labcorp
Classification: Likely benign for RASopathy. Last evaluated: 2024-10-25. Review status: criteria provided, single submitter. Criteria: Invitae Variant Classification Sherloc (09022015). Collection method: clinical testing. Allele origin: germline.

Blueprint Genetics
Classification: Likely benign. Last evaluated: 2022-07-28. Review status: criteria provided, single submitter. Criteria: ACMG Guidelines, 2015. Collection method: clinical testing. Allele origin: germline.

GeneDx
Classification: Likely benign. Last evaluated: 2016-12-02. Review status: criteria provided, single submitter. Criteria: GeneDx Variant Classification (06012015). Collection method: clinical testing. Allele origin: germline. Affected: yes.
Comment: This variant is considered likely benign or benign based on one or more of the following criteria: it is a conservative change, it occurs at a poorly conserved position in the protein, it is predicted to be benign by multiple in silico algorithms, and/or has population frequency not consistent with disease.

Literature cited by the submitters: PubMed 24896146 (cited by Ambry Genetics).